The following is an entry in ClinVar:

NM_032043.3(BRIP1):c.3575A>G (p.Asp1192Gly)

Gene: BRIP1 (BRCA1 interacting DNA helicase 1; minus strand). Cytogenetic location: 17q23.2.
Variant type: single nucleotide variant.
Coding change: c.3575A>G on transcript NM_032043.3 (MANE Select); coding-DNA position 3575, A replaced by G.
Protein change: p.Asp1192Gly; replaces aspartic acid 1192 with glycine.
Molecular consequence: missense variant.
Genome position (GRCh38, 1-based): chr17:61,683,471, T>C on the plus strand (A>G on the coding strand, the complement: BRIP1 is on the minus strand). VCF-style: chr17-61683471-T-C. GRCh37 (hg19) VCF-style: chr17-59760832-T-C.
Other names: short protein forms D1192G.
Identifiers: ClinVar variation 2928958 (VCV002928958.2), dbSNP rs1555572525, ClinGen allele CA400478195.

ClinVar aggregate classification (germline): Uncertain significance (1 of 4 stars; one submission).

Conditions:
Fanconi anemia complementation group J. Also called: BRIP1-Related Fanconi Anemia. Identifiers: Orphanet 84, MedGen C1836860, MONDO:0012187, OMIM 609054.
Familial cancer of breast. Also called: Hereditary breast cancer; hereditary breast carcinoma; BREAST CANCER, FAMILIAL. Identifiers: Orphanet 227535, MedGen C0346153, MONDO:0016419, OMIM 114480. Disease mechanism: loss of function.

Allele frequency attached by ClinVar (database versions not stated): gnomAD 0.00001.
gnomAD v4.1: 1 of 1,613,422 alleles (0.000062%); highest among the groups gnomAD compares: African/African-American, 0.0013%; no homozygotes.

Submission:

Labcorp Genetics (formerly Invitae), Labcorp
Classification: Uncertain significance for Familial cancer of breast; Fanconi anemia complementation group J. Last evaluated: 2022-10-19. Review status: criteria provided, single submitter. Criteria: Invitae Variant Classification Sherloc (09022015). Collection method: clinical testing. Allele origin: germline.
Comment: This variant is not present in population databases (gnomAD no frequency). This variant has not been reported in the literature in individuals affected with BRIP1-related conditions. Algorithms developed to predict the effect of missense changes on protein structure and function output the following: SIFT: "Tolerated"; PolyPhen-2: "Benign"; Align-GVGD: "Class C0". The glycine amino acid residue is found in multiple mammalian species, which suggests that this missense change does not adversely affect protein function. In summary, the available evidence is currently insufficient to determine the role of this variant in disease. Therefore, it has been classified as a Variant of Uncertain Significance. This sequence change replaces aspartic acid, which is acidic and polar, with glycine, which is neutral and non-polar, at codon 1192 of the BRIP1 protein (p.Asp1192Gly).